The following is an entry in ClinVar:

ClinVar aggregate classification (germline): Uncertain significance (1 of 4 stars; one submission).

gnomAD v4.1: 2 of 1,613,986 alleles (0.00012%); highest among the groups gnomAD compares: African/African-American, 0.0027%; no homozygotes.

Submission:

Women's Health and Genetics/Laboratory Corporation of America, LabCorp
Classification: Uncertain significance. Last evaluated: 2025-02-14. Review status: criteria provided, single submitter. Criteria: LabCorp Variant Classification Summary - May 2015. Collection method: clinical testing. Allele origin: germline.
Comment: Variant summary: HIVEP2 c.6007C>A (p.Gln2003Lys) results in a conservative amino acid change in the encoded protein sequence. Four of five in-silico tools predict a benign effect of the variant on protein function. The variant allele was found at a frequency of 4e-06 in 249386 control chromosomes (gnomAD). The available data on variant occurrences in the general population are insufficient to allow any conclusion about variant significance. To our knowledge, no occurrence of c.6007C>A in individuals affected with Intellectual Disability, Autosomal Dominant 43 and no experimental evidence demonstrating its impact on protein function have been reported. No submitters have cited clinical-significance assessments for this variant to ClinVar. Based on the evidence outlined above, the variant was classified as uncertain significance.

NM_006734.4(HIVEP2):c.6007C>A (p.Gln2003Lys)

Gene: HIVEP2 (HIVEP zinc finger 2; minus strand). Cytogenetic location: 6q24.2.
Variant type: single nucleotide variant.
Coding change: c.6007C>A on transcript NM_006734.4 (MANE Select); coding-DNA position 6007, C replaced by A.
Protein change: p.Gln2003Lys; replaces glutamine 2003 with lysine.
Molecular consequence: missense variant.
Genome position (GRCh38, 1-based): chr6:142,760,281, G>T on the plus strand (C>A on the coding strand, the complement: HIVEP2 is on the minus strand). VCF-style: chr6-142760281-G-T. GRCh37 (hg19) VCF-style: chr6-143081418-G-T.
Other names: short protein forms Q2003K.
Identifiers: ClinVar variation 3769041 (VCV003769041.1).